The following is an entry in ClinVar:

ClinVar aggregate classification (germline): Likely benign. Review status: criteria provided, single submitter (1 of 4 stars). 2 submissions from 2 submitters: Likely benign (1). 1 of the submissions does not count toward it. Last evaluated 2026-01-19.

Conditions:
SURF1-related disorder. Also called: SURF1-related condition.
Leigh syndrome (NULS). Also called: Leigh's syndrome; Subacute necrotizing encephalopathy; Necrotizing encephalopathy infantile subacute of Leigh; Leigh Disease; Leigh's necrotizing encephalopathy; Leigh's disease. Identifiers: Orphanet 506, MedGen C2931891, MONDO:0009723, OMIM 256000.

Allele frequency attached by ClinVar (database versions not stated): gnomAD exomes 0.00001; TOPMed 0.00004; gnomAD 0.00006; 1000 Genomes Project 30x 0.00047.

Submissions (2):

Labcorp Genetics (formerly Invitae), Labcorp
Classification: Likely benign for Leigh syndrome. Last evaluated: 2026-01-19. Review status: criteria provided, single submitter. Criteria: Invitae Variant Classification Sherloc (09022015). Collection method: clinical testing. Allele origin: germline.

PreventionGenetics, part of Exact Sciences
Classification: Likely benign for SURF1-related condition. Last evaluated: 2020-02-07. Review status: no assertion criteria provided. Collection method: clinical testing. Allele origin: germline. Not counted in ClinVar's aggregate classification.
Comment: This variant is classified as likely benign based on ACMG/AMP sequence variant interpretation guidelines (Richards et al. 2015 PMID: 25741868, with internal and published modifications).

NM_003172.4(SURF1):c.168G>A (p.Ala56=)

Gene: SURF1 (SURF1 cytochrome c oxidase assembly factor; minus strand). Cytogenetic location: 9q34.2.
Variant type: single nucleotide variant.
Coding change: c.168G>A on transcript NM_003172.4 (MANE Select); coding-DNA position 168, G replaced by A.
Protein change: p.Ala56=; no amino-acid change (alanine 56 retained).
Molecular consequence: synonymous variant. On other transcripts: 5 prime UTR variant (1).
Genome position (GRCh38, 1-based): chr9:133,354,896, C>T on the plus strand (G>A on the coding strand, the complement: SURF1 is on the minus strand). VCF-style: chr9-133354896-C-T. GRCh37 (hg19) VCF-style: chr9-136221751-C-T.
Other names: c.168G>A (NM_003172.3); c.-160G>A (NM_001280787.1).
Identifiers: ClinVar variation 2176118 (VCV002176118.6), dbSNP rs587667605, ClinGen allele CA200833526.